The following is an entry in ClinVar:

NM_052947.4(ALPK2):c.1084G>A (p.Glu362Lys)

Genes: ALPK2 (alpha kinase 2; minus strand), LOC114803473 (ALPK2 eExon liver enhancer; plus strand). Cytogenetic location: 18q21.31.
Variant type: single nucleotide variant.
Coding change: c.1084G>A on transcript NM_052947.4 (MANE Select); coding-DNA position 1084, G replaced by A.
Protein change: p.Glu362Lys; replaces glutamic acid 362 with lysine.
Molecular consequence: missense variant.
Genome position (GRCh38, 1-based): chr18:58,579,692, C>T on the plus strand (G>A on the coding strand, the complement: ALPK2 is on the minus strand). VCF-style: chr18-58579692-C-T. GRCh37 (hg19) VCF-style: chr18-56246924-C-T.
Other names: short protein forms E362K.
Identifiers: ClinVar variation 1787296 (VCV001787296.3), dbSNP rs763980190, ClinGen allele CA8977329.
Genomic context (GRCh38, chr18:58,579,692, plus strand): 5'-CCATTCCACTGAGGAAATGCTCACACCCACCCAGGCAATGCTCACCGAATTCCATCTCTT[C>T]GTCATCGCTTTCTAATAAAAAAACATGCTCAGTCCCCAGCAGGTTCCTTTGCCAAACTGC-3'
Protein context (NP_443179.3, residues 352-372): EHVFLLESDD[Glu362Lys]EMEFGEHCLG

ClinVar aggregate classification (germline): Uncertain significance (1 of 4 stars; one submission).

Allele frequency attached by ClinVar (database versions not stated): ExAC 0.00003; gnomAD 0.00003; TOPMed 0.00003; gnomAD exomes 0.00009.
gnomAD v4.1: 130 of 1,614,016 alleles (0.0081%); highest among the groups gnomAD compares: Middle Eastern, 0.016%; no homozygotes.

Submission:

Ambry Genetics
Classification: Uncertain significance. Last evaluated: 2024-11-10. Review status: criteria provided, single submitter. Criteria: Ambry Variant Classification Scheme 2023. Collection method: clinical testing. Allele origin: germline.
Comment: The p.E362K variant (also known as c.1084G>A), located in coding exon 3 of the ALPK2 gene, results from a G to A substitution at nucleotide position 1084. The glutamic acid at codon 362 is replaced by lysine, an amino acid with similar properties. This amino acid position is conserved. In addition, this alteration is predicted to be tolerated by in silico analysis. Since supporting evidence is limited at this time, the clinical significance of this alteration remains unclear.